The following is an entry in ClinVar:

NM_000498.3(CYP11B2):c.798C>T (p.Tyr266=)

Genes: CYP11B2 (cytochrome P450 family 11 subfamily B member 2; minus strand), LOC106799834 (CYP11B2 recombination region; plus strand). Cytogenetic location: 8q24.3.
Variant type: single nucleotide variant.
Coding change: c.798C>T on transcript NM_000498.3 (MANE Select); coding-DNA position 798, C replaced by T.
Protein change: p.Tyr266=; no amino-acid change (tyrosine 266 retained).
Molecular consequence: synonymous variant.
Genome position (GRCh38, 1-based): chr8:142,914,706, G>A on the plus strand (C>T on the coding strand, the complement: CYP11B2 is on the minus strand). VCF-style: chr8-142914706-G-A. GRCh37 (hg19) VCF-style: chr8-143996122-G-A.
Identifiers: ClinVar variation 388547 (VCV000388547.14), dbSNP rs149682756, ClinGen allele CA4906092.
Genomic context (GRCh38, chr8:142,914,706, plus strand): 5'-AGAAATTGGGCCCCCATGGTGTCCCTTCCCCATAGCACTGCCCGGGTCCCTGGCCTCACC[G>A]TACTGGAAGATGCAGTCCCAGGCCTCAAAGTGCTCCTTCCACACCTTGGGGCTGATCCAG-3'
Protein context (NP_000489.3, residues 256-276): HFEAWDCIFQ[Tyr266=]GDNCIQKIYQ

ClinVar aggregate classification (germline): Benign/Likely benign. Review status: criteria provided, multiple submitters, no conflicts (2 of 4 stars). 4 submissions from 4 submitters: Benign (1); Likely benign (2). 1 of the submissions does not count toward it. Last evaluated 2026-01-28.

Conditions:
Corticosterone methyl oxidase type II deficiency.

Allele frequency attached by ClinVar (database versions not stated): gnomAD exomes 0.00034 and 0.00069; ExAC 0.00176; gnomAD 0.00285 and 0.00308; 1000 Genomes Project 0.00319; ESP Exome Variant Server 0.00324; TOPMed 0.00331; 1000 Genomes Project 30x 0.00344.
gnomAD v4.1: 938 of 1,604,840 alleles (0.058%); highest among the groups gnomAD compares: African/African-American, 1.1%; 11 homozygotes.

Submissions (4):

Labcorp Genetics (formerly Invitae), Labcorp
Classification: Benign. Last evaluated: 2026-01-28. Review status: criteria provided, single submitter. Criteria: Invitae Variant Classification Sherloc (09022015). Collection method: clinical testing. Allele origin: germline.

GeneDx
Classification: Likely benign. Last evaluated: 2016-08-22. Review status: criteria provided, single submitter. Criteria: GeneDx Variant Classification (06012015). Collection method: clinical testing. Allele origin: germline. Affected: yes.
Comment: This variant is considered likely benign or benign based on one or more of the following criteria: it is a conservative change, it occurs at a poorly conserved position in the protein, it is predicted to be benign by multiple in silico algorithms, and/or has population frequency not consistent with disease.

Breakthrough Genomics
Classification: Likely benign. Review status: criteria provided, single submitter. Criteria: ACMG Guidelines, 2015. Collection method: not provided. Allele origin: germline. Inheritance: Autosomal recessive inheritance. Affected: yes.

Natera, Inc.
Classification: Benign for Corticosterone methyl oxidase type II deficiency. Last evaluated: 2019-12-10. Review status: no assertion criteria provided. Collection method: clinical testing. Allele origin: germline. Not counted in ClinVar's aggregate classification.